The following is an entry in ClinVar:

NM_002458.3(MUC5B):c.7877C>G (p.Thr2626Arg)

Genes: MUC5B-AS1 (MUC5B antisense RNA 1; minus strand), MUC5B (mucin 5B, oligomeric mucus/gel-forming; plus strand). Cytogenetic location: 11p15.5.
Variant type: single nucleotide variant.
Coding change: c.7877C>G on transcript NM_002458.3 (MANE Select); coding-DNA position 7877, C replaced by G.
Protein change: p.Thr2626Arg; replaces threonine 2626 with arginine.
Molecular consequence: missense variant.
Genome position (GRCh38, 1-based): chr11:1,244,757, C>G. VCF-style: chr11-1244757-C-G. GRCh37 (hg19) VCF-style: chr11-1265987-C-G.
Other names: short protein forms T2626R.
Identifiers: ClinVar variation 403145 (VCV000403145.6), dbSNP rs3021158, ClinGen allele CA5806464.

ClinVar aggregate classification (germline): Benign. Review status: criteria provided, multiple submitters, no conflicts (2 of 4 stars). 3 submissions from 3 submitters: Benign (3). Last evaluated 2021-06-09.

Allele frequency attached by ClinVar (database versions not stated): ESP Exome Variant Server 0.11015; 1000 Genomes Project 0.11641; 1000 Genomes Project 30x 0.11727; TOPMed 0.13087; gnomAD 0.13667.
gnomAD v4.1: 213,852 of 1,601,722 alleles (13%); highest among the groups gnomAD compares: Admixed American, 26%; 15,824 homozygotes.

Submissions (3):

GeneDx
Classification: Benign. Last evaluated: 2021-06-09. Review status: criteria provided, single submitter. Criteria: GeneDx Variant Classification Process June 2021. Collection method: clinical testing. Allele origin: germline. Affected: yes.

Laboratory for Molecular Medicine, Mass General Brigham Personalized Medicine
Classification: Benign. Last evaluated: 2016-03-28. Review status: criteria provided, single submitter. Criteria: LMM Criteria. Collection method: clinical testing. Allele origin: germline.
Comment: Variant identified in a genome or exome case(s) and assessed due to predicted null impact of the variant or pathogenic assertions in the literature or databases. Disclaimer: This variant has not undergone full assessment. The following are preliminary notes: Frequency

Breakthrough Genomics
Classification: Benign. Review status: criteria provided, single submitter. Criteria: ACMG Guidelines, 2015. Collection method: not provided. Allele origin: germline. Inheritance: Autosomal dominant inheritance. Affected: yes.